The following is an entry in ClinVar:

NM_016816.4(OAS1):c.890T>G (p.Val297Gly)

Gene: OAS1 (2'-5'-oligoadenylate synthetase 1; plus strand). Cytogenetic location: 12q24.13.
Variant type: single nucleotide variant.
Coding change: c.890T>G on transcript NM_016816.4 (MANE Select); coding-DNA position 890, T replaced by G.
Protein change: p.Val297Gly; replaces valine 297 with glycine.
Molecular consequence: missense variant.
Genome position (GRCh38, 1-based): chr12:112,917,552, T>G. VCF-style: chr12-112917552-T-G. GRCh37 (hg19) VCF-style: chr12-113355357-T-G.
Other names: p.Val297Gly; c.890T>G, p.Val297Gly (NM_001032409.3, NM_001320151.2, NM_002534.4); short protein forms V297G.
Identifiers: ClinVar variation 1131145 (VCV001131145.11), dbSNP rs148741042, ClinGen allele CA6799933.

ClinVar aggregate classification (germline): Conflicting classifications of pathogenicity. Review status: criteria provided, conflicting classifications (1 of 4 stars). 3 submissions from 3 submitters: Uncertain significance (1); Likely benign (2). Last evaluated 2026-01-08.

Allele frequency attached by ClinVar (database versions not stated): ExAC 0.00028; ESP Exome Variant Server 0.00031; gnomAD exomes 0.00035 and 0.00062; TOPMed 0.00036; gnomAD 0.00042 and 0.00044.
gnomAD v4.1: 950 of 1,614,034 alleles (0.059%); highest among the groups gnomAD compares: Non-Finnish European, 0.074%; 3 homozygotes.

Submissions (3):

Labcorp Genetics (formerly Invitae), Labcorp
Classification: Likely benign. Last evaluated: 2026-01-08. Review status: criteria provided, single submitter. Criteria: Invitae Variant Classification Sherloc (09022015). Collection method: clinical testing. Allele origin: germline.

Mayo Clinic Laboratories, Mayo Clinic
Classification: Uncertain significance. Last evaluated: 2025-05-04. Review status: criteria provided, single submitter. Criteria: ACMG Guidelines, 2015. Collection method: clinical testing. Allele origin: germline. Observed: 1 variant allele.
Comment: BS2_supporting

Blueprint Genetics
Classification: Likely benign. Last evaluated: 2024-06-07. Review status: criteria provided, single submitter. Criteria: ACMG Guidelines, 2015. Collection method: clinical testing. Allele origin: germline.